The following is an entry in ClinVar:

NM_000789.4(ACE):c.3136G>A (p.Glu1046Lys)

Gene: ACE (angiotensin I converting enzyme; plus strand). Cytogenetic location: 17q23.3.
Variant type: single nucleotide variant.
Coding change: c.3136G>A on transcript NM_000789.4 (MANE Select); coding-DNA position 3136, G replaced by A.
Protein change: p.Glu1046Lys; replaces glutamic acid 1046 with lysine.
Molecular consequence: missense variant. On other transcripts: non-coding transcript variant (1).
Genome position (GRCh38, 1-based): chr17:63,493,659, G>A. VCF-style: chr17-63493659-G-A. GRCh37 (hg19) VCF-style: chr17-61571020-G-A.
Other names: c.3136G>A (NM_000789.3); c.1414G>A, p.Glu472Lys (NM_001178057.2, NM_152830.3); c.2569G>A, p.Glu857Lys (NM_001382700.1); c.2284G>A, p.Glu762Lys (NM_001382701.1); c.874G>A, p.Glu292Lys (NM_001382702.1); short protein forms E1046K, E472K, E857K, E292K, E762K.
Identifiers: ClinVar variation 3582564 (VCV003582564.4).
Genomic context (GRCh38, chr17:63,493,659, plus strand): 5'-GTGTCTACGCCCAAGCACCTGCACAGTCTCAACCTGCTGAGCAGTGAGGGTGGCAGCGAC[G>A]GTGAGAGAGAAGCGGGAGGCCCTGGTGGGCTGAGGACCAAGAAAGGGTGGTGAGCTTGGG-3'
Protein context (NP_000780.1, residues 1036-1056): NLLSSEGGSD[Glu1046Lys]HDINFLMKMA

ClinVar aggregate classification (germline): Conflicting classifications of pathogenicity. Review status: criteria provided, conflicting classifications (1 of 4 stars). 3 submissions from 3 submitters: Likely pathogenic (2); Uncertain significance (1). Last evaluated 2026-09-02.

Conditions:
Fetal anomalies with a likely genetic cause.
Renal tubular dysgenesis of genetic origin. Also called: PRIMITIVE RENAL TUBULE SYNDROME. Identifiers: Orphanet 97369, MedGen C5681536, MONDO:0009970, OMIM 267430.
Hemorrhage, intracerebral, susceptibility to (ICH). Also called: Stroke, hemorrhagic, susceptibility to. Identifiers: MedGen C3281105, MONDO:0100533, OMIM 614519.
Microvascular complications of diabetes, susceptibility to, 3. Identifiers: MedGen C2675470, MONDO:0012963, OMIM 612624.

gnomAD v4.1: 14 of 1,613,834 alleles (0.00087%); highest among the groups gnomAD compares: South Asian, 0.0099%; no homozygotes.

Submissions (3):

Genetics Laboratory, Great Ormond Street Hospital NHS Foundation Trust, North Thames Genomic Laboratory Hub
Classification: Likely pathogenic for Fetal anomalies with a likely genetic cause. Last evaluated: 2026-09-02. Review status: criteria provided, single submitter. Criteria: ACGS Best Practice Guidelines for Variant Classification in Rare Disease 2024 v1.2. Collection method: clinical testing. Allele origin: germline. Affected: yes.
Comment: PM2_moderate, PP3_supporting, PM3_moderate, PP4_supporting

GeneDx
Classification: Likely pathogenic. Last evaluated: 2025-10-09. Review status: criteria provided, single submitter. Criteria: GeneDx Variant Classification Process June 2021. Collection method: clinical testing. Allele origin: germline. Affected: yes.
Comment: An individual with chronic kidney disease in the published literature was reported to have the c.3136G>A variant in unknown phase with another ACE variant, but it is unclear if this represents the same variant as it was reported as p.E1046S rather than p.E1046K (PMID: 31738409); Alters the last nucleotide of the exon and is predicted to destroy the splice donor site and result in aberrant splicing, although in the absence of functional evidence the actual effect of this sequence change is unknown; This variant is associated with the following publications: (PMID: 31738409)

Fulgent Genetics
Classification: Uncertain significance for Renal tubular dysgenesis of genetic origin; Microvascular complications of diabetes, susceptibility to, 3; Hemorrhage, intracerebral, susceptibility to. Last evaluated: 2024-05-03. Review status: criteria provided, single submitter. Criteria: ACMG Guidelines, 2015. Collection method: clinical testing. Allele origin: germline.